The following is an entry in ClinVar:

NM_005591.4(MRE11):c.1891C>T (p.Pro631Ser)

Gene: MRE11 (MRE11 double strand break repair nuclease; minus strand). Cytogenetic location: 11q21.
Variant type: single nucleotide variant.
Coding change: c.1891C>T on transcript NM_005591.4 (MANE Select); coding-DNA position 1891, C replaced by T.
Protein change: p.Pro631Ser; replaces proline 631 with serine.
Molecular consequence: missense variant.
Genome position (GRCh38, 1-based): chr11:94,437,212, G>A on the plus strand (C>T on the coding strand, the complement: MRE11 is on the minus strand). VCF-style: chr11-94437212-G-A. GRCh37 (hg19) VCF-style: chr11-94170378-G-A.
Other names: c.1888C>T, p.Pro630Ser (NM_001330347.2); c.1807C>T, p.Pro603Ser (NM_005590.4); short protein forms P603S, P630S, P631S.
Identifiers: ClinVar variation 3224849 (VCV003224849.1), dbSNP rs2496220492, ClinGen allele CA382374791.

ClinVar aggregate classification (germline): Uncertain significance (1 of 4 stars; one submission).

Conditions:
Hereditary cancer-predisposing syndrome. Also called: Neoplastic Syndromes, Hereditary; Tumor predisposition; Hereditary neoplastic syndrome; Hereditary Cancer Syndrome. Identifiers: Orphanet 140162, MedGen C0027672, MeSH D009386, MONDO:0015356.

Submission:

Ambry Genetics
Classification: Uncertain significance for Hereditary cancer-predisposing syndrome. Last evaluated: 2022-02-17. Review status: criteria provided, single submitter. Criteria: Ambry Variant Classification Scheme 2023. Collection method: clinical testing. Allele origin: germline.
Comment: The p.P631S variant (also known as c.1891C>T), located in coding exon 16 of the MRE11A gene, results from a C to T substitution at nucleotide position 1891. The proline at codon 631 is replaced by serine, an amino acid with similar properties. This amino acid position is conserved. In addition, the in silico prediction for this alteration is inconclusive. Since supporting evidence is limited at this time, the clinical significance of this alteration remains unclear.